The following is an entry in ClinVar:

NM_030943.4(AMN):c.534_535dup (p.Leu179fs)

Gene: AMN (amnion associated transmembrane protein; plus strand). Cytogenetic location: 14q32.32.
Variant type: Duplication.
Coding change: c.534_535dup on transcript NM_030943.4 (MANE Select); coding-DNA positions 534 to 535, 2 bases duplicated (CC; older notation c.534_535dupCC).
Protein change: p.Leu179fs; shifts the reading frame from leucine 179.
Molecular consequence: frameshift variant.
Genome position (GRCh38, 1-based): chr14:102,929,141-102,929,142, CC duplicated. VCF-style (leftmost placement, unchanged base first): chr14-102929140-A-ACC. GRCh37 (hg19) VCF-style: chr14-103395477-A-ACC.
Other names: c.372_373dup, p.Leu125Profs (NM_001425246.1); short protein forms L179fs.
Identifiers: ClinVar variation 2770763 (VCV002770763.3), dbSNP rs2542696581, ClinGen allele CA2697554225.

ClinVar aggregate classification (germline): Pathogenic (1 of 4 stars; one submission).

Conditions:
Imerslund-Grasbeck syndrome. Also called: ENTEROCYTE COBALAMIN MALABSORPTION; ENTEROCYTE INTRINSIC FACTOR RECEPTOR, DEFECT OF; Imerslund-Gräsbeck syndrome; PERNICIOUS ANEMIA, JUVENILE, DUE TO SELECTIVE INTESTINAL MALABSORPTION OF VITAMIN B12, WITH PROTEINURIA; Megaloblastic anemia due to inborn errors of metabolism. Identifiers: Orphanet 35858, MedGen C4551825, MONDO:0009853.

Submission:

Labcorp Genetics (formerly Invitae), Labcorp
Classification: Pathogenic for Imerslund-Grasbeck syndrome. Last evaluated: 2024-01-17. Review status: criteria provided, single submitter. Criteria: Invitae Variant Classification Sherloc (09022015). Collection method: clinical testing. Allele origin: germline.
Comment: This sequence change creates a premature translational stop signal (p.Leu179Profs*21) in the AMN gene. It is expected to result in an absent or disrupted protein product. Loss-of-function variants in AMN are known to be pathogenic (PMID: 12590260, 22929189). This variant is not present in population databases (gnomAD no frequency). This variant has not been reported in the literature in individuals affected with AMN-related conditions. For these reasons, this variant has been classified as Pathogenic.

Literature cited by the submitters: PubMed 12590260; PubMed 22929189.